The following is an entry in ClinVar:

ClinVar aggregate classification (germline): Uncertain significance. Review status: criteria provided, single submitter (1 of 4 stars). 2 submissions from 2 submitters: Uncertain significance (1). 1 of the submissions does not count toward it. Last evaluated 2021-08-28.

Conditions:
Retinitis pigmentosa 25 (RP25). Identifiers: Orphanet 791, MedGen C1864446, MONDO:0011272, OMIM 602772.

Allele frequency attached by ClinVar (database versions not stated): gnomAD exomes below 0.00001; ExAC 0.00001; 1000 Genomes Project 30x 0.00016; 1000 Genomes Project 0.00020.
gnomAD v4.1: 2 of 1,609,918 alleles (0.00012%); highest among the groups gnomAD compares: East Asian, 0.0022%; no homozygotes.

Submissions (2):

Labcorp Genetics (formerly Invitae), Labcorp
Classification: Uncertain significance. Last evaluated: 2021-08-28. Review status: criteria provided, single submitter. Criteria: Invitae Variant Classification Sherloc (09022015). Collection method: clinical testing. Allele origin: germline.
Comment: This sequence change replaces glycine with valine at codon 538 of the EYS protein (p.Gly538Val). The glycine residue is highly conserved and there is a moderate physicochemical difference between glycine and valine. This variant is present in population databases (rs530200433, ExAC 0.01%). This variant has not been reported in the literature in individuals affected with EYS-related conditions. Algorithms developed to predict the effect of missense changes on protein structure and function are either unavailable or do not agree on the potential impact of this missense change (SIFT: "Deleterious"; PolyPhen-2: "Benign"; Align-GVGD: "Class C0"). Algorithms developed to predict the effect of sequence changes on RNA splicing suggest that this variant may create or strengthen a splice site. In summary, the available evidence is currently insufficient to determine the role of this variant in disease. Therefore, it has been classified as a Variant of Uncertain Significance.

Natera, Inc.
Classification: Uncertain significance for Retinitis pigmentosa type 25. Last evaluated: 2020-09-18. Review status: no assertion criteria provided. Collection method: clinical testing. Allele origin: germline. Not counted in ClinVar's aggregate classification.

NM_001142800.2(EYS):c.1613G>T (p.Gly538Val)

Gene: EYS (eyes shut homolog; minus strand). Cytogenetic location: 6q12.
Variant type: single nucleotide variant.
Coding change: c.1613G>T on transcript NM_001142800.2 (MANE Select); coding-DNA position 1613, G replaced by T.
Protein change: p.Gly538Val; replaces glycine 538 with valine.
Molecular consequence: missense variant.
Genome position (GRCh38, 1-based): chr6:65,335,133, C>A on the plus strand (G>T on the coding strand, the complement: EYS is on the minus strand). VCF-style: chr6-65335133-C-A. GRCh37 (hg19) VCF-style: chr6-66045026-C-A.
Other names: c.1613G>T, p.Gly538Val (NM_001142801.2, NM_001292009.2, NM_198283.2); short protein forms G538V.
Identifiers: ClinVar variation 1011385 (VCV001011385.3), dbSNP rs530200433, ClinGen allele CA3877666.